The following is an entry in ClinVar:

NM_020461.4(TUBGCP6):c.2665C>A (p.Pro889Thr)

Gene: TUBGCP6 (tubulin gamma complex component 6; minus strand). Cytogenetic location: 22q13.33.
Variant type: single nucleotide variant.
Coding change: c.2665C>A on transcript NM_020461.4 (MANE Select); coding-DNA position 2665, C replaced by A.
Protein change: p.Pro889Thr; replaces proline 889 with threonine.
Molecular consequence: missense variant.
Genome position (GRCh38, 1-based): chr22:50,221,694, G>T on the plus strand (C>A on the coding strand, the complement: TUBGCP6 is on the minus strand). VCF-style: chr22-50221694-G-T. GRCh37 (hg19) VCF-style: chr22-50660123-G-T.
Other names: c.2665C>A (NM_020461.3); short protein forms P889T.
Identifiers: ClinVar variation 1987213 (VCV001987213.5), dbSNP rs2519138901, ClinGen allele CA412096744.

ClinVar aggregate classification (germline): Uncertain significance. Review status: criteria provided, multiple submitters, no conflicts (2 of 4 stars). 2 submissions from 2 submitters: Uncertain significance (2). Last evaluated 2022-09-12.

Submissions (2):

GeneDx
Classification: Uncertain significance. Last evaluated: 2022-09-12. Review status: criteria provided, single submitter. Criteria: GeneDx Variant Classification Process June 2021. Collection method: clinical testing. Allele origin: germline. Affected: yes.
Comment: Not observed at significant frequency in large population cohorts (gnomAD); In silico analysis supports that this missense variant does not alter protein structure/function; Has not been previously published as pathogenic or benign to our knowledge

Labcorp Genetics (formerly Invitae), Labcorp
Classification: Uncertain significance. Last evaluated: 2022-04-17. Review status: criteria provided, single submitter. Criteria: Invitae Variant Classification Sherloc (09022015). Collection method: clinical testing. Allele origin: germline.
Comment: This variant has not been reported in the literature in individuals affected with TUBGCP6-related conditions. This sequence change replaces proline, which is neutral and non-polar, with threonine, which is neutral and polar, at codon 889 of the TUBGCP6 protein (p.Pro889Thr). This variant is not present in population databases (gnomAD no frequency). Algorithms developed to predict the effect of missense changes on protein structure and function (SIFT, PolyPhen-2, Align-GVGD) all suggest that this variant is likely to be tolerated. In summary, the available evidence is currently insufficient to determine the role of this variant in disease. Therefore, it has been classified as a Variant of Uncertain Significance.